The following is an entry in ClinVar:

NM_001367561.1(DOCK7):c.1855G>A (p.Val619Ile)

Gene: DOCK7 (dedicator of cytokinesis 7; minus strand). Cytogenetic location: 1p31.3.
Variant type: single nucleotide variant.
Coding change: c.1855G>A on transcript NM_001367561.1 (MANE Select); coding-DNA position 1855, G replaced by A.
Protein change: p.Val619Ile; replaces valine 619 with isoleucine.
Molecular consequence: missense variant.
Genome position (GRCh38, 1-based): chr1:62,583,200, C>T on the plus strand (G>A on the coding strand, the complement: DOCK7 is on the minus strand). VCF-style: chr1-62583200-C-T. GRCh37 (hg19) VCF-style: chr1-63048871-C-T.
Other names: c.1855G>A, p.Val619Ile (NM_001271999.2, NM_001272000.2, NM_001272001.2 and 2 more transcripts); short protein forms V619I.
Identifiers: ClinVar variation 1011248 (VCV001011248.7), dbSNP rs773165094, ClinGen allele CA886429.

ClinVar aggregate classification (germline): Uncertain significance (1 of 4 stars; one submission).

Conditions:
Developmental and epileptic encephalopathy, 23 (DEE23). Also called: Epileptic encephalopathy, early infantile, 23. Identifiers: Orphanet 411986, MedGen C4014492, MONDO:0014371, OMIM 615859.

Allele frequency attached by ClinVar (database versions not stated): ExAC 0.00001; gnomAD exomes 0.00002 and 0.00003; TOPMed 0.00002.
gnomAD v4.1: 45 of 1,612,364 alleles (0.0028%); highest among the groups gnomAD compares: South Asian, 0.0044%; no homozygotes.

Submission:

Labcorp Genetics (formerly Invitae), Labcorp
Classification: Uncertain significance for Developmental and epileptic encephalopathy, 23. Last evaluated: 2022-06-18. Review status: criteria provided, single submitter. Criteria: Invitae Variant Classification Sherloc (09022015). Collection method: clinical testing. Allele origin: germline.
Comment: This variant is present in population databases (rs773165094, gnomAD 0.01%). This sequence change replaces valine, which is neutral and non-polar, with isoleucine, which is neutral and non-polar, at codon 619 of the DOCK7 protein (p.Val619Ile). This variant has not been reported in the literature in individuals affected with DOCK7-related conditions. In summary, the available evidence is currently insufficient to determine the role of this variant in disease. Therefore, it has been classified as a Variant of Uncertain Significance. Algorithms developed to predict the effect of missense changes on protein structure and function are either unavailable or do not agree on the potential impact of this missense change (SIFT: "Deleterious"; PolyPhen-2: "Benign"; Align-GVGD: "Class C0"). ClinVar contains an entry for this variant (Variation ID: 1011248).